The following is an entry in ClinVar:

NM_006383.4(CIB2):c.532G>C (p.Asp178His)

Gene: CIB2 (calcium and integrin binding family member 2; minus strand). Cytogenetic location: 15q25.1.
Variant type: single nucleotide variant.
Coding change: c.532G>C on transcript NM_006383.4 (MANE Select); coding-DNA position 532, G replaced by C.
Protein change: p.Asp178His; replaces aspartic acid 178 with histidine.
Molecular consequence: missense variant. On other transcripts: non-coding transcript variant (1).
Genome position (GRCh38, 1-based): chr15:78,105,749, C>G on the plus strand (G>C on the coding strand, the complement: CIB2 is on the minus strand). VCF-style: chr15-78105749-C-G. GRCh37 (hg19) VCF-style: chr15-78398091-C-G.
Other names: c.403G>C, p.Asp135His (NM_001271888.2); c.385G>C, p.Asp129His (NM_001271889.2); c.547G>C, p.Asp183His (NM_001301224.2); short protein forms D129H, D135H, D178H, D183H.
Identifiers: ClinVar variation 1011463 (VCV001011463.8), dbSNP rs2074058269, ClinGen allele CA393545244.
Genomic context (GRCh38, chr15:78,105,749, plus strand): 5'-GGCCTGCCCTGCTCTGCCCTGCCCAAGCCCGGCCCCTGTAGTGGCAGCACCTGAGGAAGT[C>G]AGGGGCCTTGGCAATCATGTCCTCGAAGTCAGCAAAGCCCAGCTTGCCGTCACCGTCCAA-3'
Protein context (NP_006374.1, residues 168-187): DFEDMIAKAP[Asp178His]FLSTFHIRI

ClinVar aggregate classification (germline): Uncertain significance (1 of 4 stars; one submission).

Submission:

Labcorp Genetics (formerly Invitae), Labcorp
Classification: Uncertain significance. Last evaluated: 2022-06-20. Review status: criteria provided, single submitter. Criteria: Invitae Variant Classification Sherloc (09022015). Collection method: clinical testing. Allele origin: germline.
Comment: In summary, the available evidence is currently insufficient to determine the role of this variant in disease. Therefore, it has been classified as a Variant of Uncertain Significance. Algorithms developed to predict the effect of missense changes on protein structure and function (SIFT, PolyPhen-2, Align-GVGD) all suggest that this variant is likely to be disruptive. ClinVar contains an entry for this variant (Variation ID: 1011463). This variant has not been reported in the literature in individuals affected with CIB2-related conditions. This variant is not present in population databases (gnomAD no frequency). This sequence change replaces aspartic acid, which is acidic and polar, with histidine, which is basic and polar, at codon 178 of the CIB2 protein (p.Asp178His).